The following is an entry in ClinVar:

ClinVar aggregate classification (germline): Uncertain significance (1 of 4 stars; one submission).

Conditions:
Neurofibromatosis, type 2 (SWNV). Also called: BILATERAL ACOUSTIC NEUROFIBROMATOSIS; SCHWANNOMATOSIS, VESTIBULAR; NF2-Related Schwannomatosis. Identifiers: Orphanet 637, MedGen C0027832, MONDO:0007039, OMIM 101000. Disease mechanism: loss of function.

Allele frequency attached by ClinVar (database versions not stated): gnomAD exomes below 0.00001.

Submission:

Labcorp Genetics (formerly Invitae), Labcorp
Classification: Uncertain significance for Neurofibromatosis, type 2. Last evaluated: 2021-08-31. Review status: criteria provided, single submitter. Criteria: Invitae Variant Classification Sherloc (09022015). Collection method: clinical testing. Allele origin: germline.
Comment: In summary, the available evidence is currently insufficient to determine the role of this variant in disease. Therefore, it has been classified as a Variant of Uncertain Significance. This variant disrupts the p.Asn220 amino acid residue in NF2. Other variant(s) that disrupt this residue have been determined to be pathogenic (PMID: 8230593, 10712203). This suggests that this residue is clinically significant, and that variants that disrupt this residue are likely to be disease-causing. Algorithms developed to predict the effect of sequence changes on RNA splicing suggest that this variant may create or strengthen a splice site, but this prediction has not been confirmed by published transcriptional studies. Algorithms developed to predict the effect of missense changes on protein structure and function are either unavailable or do not agree on the potential impact of this missense change (SIFT: "Tolerated"; PolyPhen-2: "Possibly Damaging"; Align-GVGD: "Class C0"). This variant has not been reported in the literature in individuals with NF2-related conditions. This variant is not present in population databases (ExAC no frequency). This sequence change replaces asparagine with lysine at codon 220 of the NF2 protein (p.Asn220Lys). The asparagine residue is highly conserved and there is a moderate physicochemical difference between asparagine and lysine.

Literature cited by the submitters: PubMed 8230593; PubMed 10712203.

NM_000268.4(NF2):c.660C>G (p.Asn220Lys)

Gene: NF2 (NF2, moesin-ezrin-radixin like (MERLIN) tumor suppressor; plus strand). Cytogenetic location: 22q12.2.
Variant type: single nucleotide variant.
Coding change: c.660C>G on transcript NM_000268.4 (MANE Select); coding-DNA position 660, C replaced by G.
Protein change: p.Asn220Lys; replaces asparagine 220 with lysine.
Molecular consequence: missense variant. On other transcripts: non-coding transcript variant (1), intron variant (1).
Genome position (GRCh38, 1-based): chr22:29,658,249, C>G. VCF-style: chr22-29658249-C-G. GRCh37 (hg19) VCF-style: chr22-30054238-C-G.
Other names: c.537C>G, p.Asn179Lys (NM_181829.3); c.411C>G, p.Asn137Lys (NM_181830.3, NM_181831.3); c.660C>G, p.Asn220Lys (NM_181832.3, NM_016418.5, NM_181825.3); c.447+15964C>G (NM_181833.3); c.534C>G, p.Asn178Lys (NM_181828.3); short protein forms N178K, N220K, N179K, N137K.
Identifiers: ClinVar variation 1501771 (VCV001501771.8), dbSNP rs2146990712, ClinGen allele CA411143104.
Genomic context (GRCh38, chr22:29,658,249, plus strand): 5'-GGATGAAGCTGAAATGGAATATCTGAAGATAGCTCAGGACCTGGAGATGTACGGTGTGAA[C>G]TACTTTGCAATCCGGGTGTGTTGAAACCTCTCTGAGCTCCTTGTGTAGTAGACAGAGACT-3'
Protein context (NP_000259.1, residues 210-230): IAQDLEMYGV[Asn220Lys]YFAIRNKKGT